The following is an entry in ClinVar:

NM_000348.3(SRD5A2):c.-55G>A

Gene: SRD5A2 (steroid 5 alpha-reductase 2; minus strand). Cytogenetic location: 2p23.1.
Variant type: single nucleotide variant.
Coding change: c.-55G>A on transcript NM_000348.3; 55 bases upstream of the start codon, G replaced by A.
Genome position (GRCh38, 1-based): chr2:31,580,955, C>T on the plus strand (G>A on the coding strand, the complement: SRD5A2 is on the minus strand). VCF-style: chr2-31580955-C-T. GRCh37 (hg19) VCF-style: chr2-31806024-C-T.
Identifiers: ClinVar variation 335820 (VCV000335820.7), dbSNP rs577957973, ClinGen allele CA10615107.

ClinVar aggregate classification (germline): Benign (1 of 4 stars; one submission).

Conditions:
3-Oxo-5 alpha-steroid delta 4-dehydrogenase deficiency (PPSH). Also called: MALE PSEUDOHERMAPHRODITISM DUE TO 5-ALPHA-REDUCTASE DEFICIENCY; 46,XY disorder of sex development due to 5-alpha-reductase 2 deficiency; PSEUDOVAGINAL PERINEOSCROTAL HYPOSPADIAS; FAMILIAL INCOMPLETE MALE PSEUDOHERMAPHRODITISM, TYPE 2. Identifiers: Orphanet 753, MedGen C0268297, MONDO:0009923, OMIM 264600. Disease mechanism: loss of function.

Allele frequency attached by ClinVar (database versions not stated): 1000 Genomes Project 30x 0.00531; TOPMed 0.00013; gnomAD 0.00001 and 0.00065; 1000 Genomes Project 0.00579.
gnomAD v4.1: 1,619 of 1,548,366 alleles (0.1%); highest among the groups gnomAD compares: South Asian, 1.8%; 26 homozygotes.

Submission:

Illumina Laboratory Services, Illumina
Classification: Benign for 3-Oxo-5 alpha-steroid delta 4-dehydrogenase deficiency. Last evaluated: 2018-01-12. Review status: criteria provided, single submitter. Criteria: ICSL Variant Classification Criteria 13 December 2019. Collection method: clinical testing. Allele origin: germline.
Comment: This variant was observed in the ICSL laboratory as part of a predisposition screen in an ostensibly healthy population. It had not been previously curated by ICSL or reported in the Human Gene Mutation Database (HGMD: prior to June 1st, 2018), and was therefore a candidate for classification through an automated scoring system. Utilizing variant allele frequency, disease prevalence and penetrance estimates, and inheritance mode, an automated score was calculated to assess if this variant is too frequent to cause the disease. Based on the score and internal cut-off values, a variant classified as benign is not then subjected to further curation. The score for this variant resulted in a classification of benign for this disease.